The following is an entry in ClinVar:

ClinVar aggregate classification (germline): Likely pathogenic (1 of 4 stars; one submission).

Conditions:
PHGDH deficiency. Identifiers: Orphanet 79351, MedGen C1866174, MONDO:0011152, OMIM 601815.

Submission:

Labcorp Genetics (formerly Invitae), Labcorp
Classification: Likely pathogenic for PHGDH deficiency. Last evaluated: 2023-05-22. Review status: criteria provided, single submitter. Criteria: Invitae Variant Classification Sherloc (09022015). Collection method: clinical testing. Allele origin: germline.
Comment: In summary, the currently available evidence indicates that the variant is pathogenic, but additional data are needed to prove that conclusively. Therefore, this variant has been classified as Likely Pathogenic. Algorithms developed to predict the effect of sequence changes on RNA splicing suggest that this variant may disrupt the consensus splice site. This variant has not been reported in the literature in individuals affected with PHGDH-related conditions. This variant is not present in population databases (gnomAD no frequency). This sequence change affects an acceptor splice site in intron 4 of the PHGDH gene. It is expected to disrupt RNA splicing. Variants that disrupt the donor or acceptor splice site typically lead to a loss of protein function (PMID: 16199547), and loss-of-function variants in PHGDH are known to be pathogenic (PMID: 14645240, 24836451).

Literature cited by the submitters: PubMed 16199547; PubMed 14645240; PubMed 24836451.

NM_006623.4(PHGDH):c.412-1G>A

Gene: PHGDH (phosphoglycerate dehydrogenase; plus strand). Cytogenetic location: 1p12.
Variant type: single nucleotide variant.
Coding change: c.412-1G>A on transcript NM_006623.4 (MANE Select); the canonical splice acceptor site of the intron before coding-DNA position 412, G replaced by A.
Molecular consequence: splice acceptor variant.
Genome position (GRCh38, 1-based): chr1:119,727,003, G>A. VCF-style: chr1-119727003-G-A. GRCh37 (hg19) VCF-style: chr1-120269626-G-A.
Identifiers: ClinVar variation 2866856 (VCV002866856.3), dbSNP rs1651455730, ClinGen allele CA341847653.
Genomic context (GRCh38, chr1:119,727,003, plus strand): 5'-GGCCCGGGGTCCACTCATGTTGCTGACTTCAGCTTCTTTCCTTTTGCCTGTTTGGTTGCA[G>A]TTCATGGGAACAGAGCTGAATGGAAAGACCCTGGGAATTCTTGGCCTGGGCAGGATTGGG-3'